The following is an entry in ClinVar:

ClinVar aggregate classification (germline): Likely pathogenic (1 of 4 stars; one submission).

Conditions:
Autosomal recessive axonal neuropathy with neuromyotonia (NMAN). Also called: MYOKYMIA, MYOTONIA, AND MUSCLE WASTING; Gamstorp-Wohlfart syndrome; Neuromyotonia and axonal neuropathy, autosomal recessive. Identifiers: Orphanet 324442, MedGen C5700127, MONDO:0007646, OMIM 137200.

Submission:

Labcorp Genetics (formerly Invitae), Labcorp
Classification: Likely pathogenic for Autosomal recessive axonal neuropathy with neuromyotonia. Last evaluated: 2025-11-22. Review status: criteria provided, single submitter. Criteria: Invitae Variant Classification Sherloc (09022015). Collection method: clinical testing. Allele origin: germline.
Comment: This sequence change affects a splice site in intron 1 of the HINT1 gene. It is expected to disrupt RNA splicing. Variants that disrupt the donor or acceptor splice site typically lead to a loss of protein function (PMID: 16199547), and loss-of-function variants in HINT1 are known to be pathogenic (PMID: 22961002, 25342199, 26059562). This variant is not present in population databases (gnomAD no frequency). This variant has not been reported in the literature in individuals affected with HINT1-related conditions. ClinVar contains an entry for this variant (Variation ID: 1524005). Algorithms developed to predict the effect of sequence changes on RNA splicing suggest that this variant may disrupt the consensus splice site. In summary, the currently available evidence indicates that the variant is pathogenic, but additional data are needed to prove that conclusively. Therefore, this variant has been classified as Likely Pathogenic.

Literature cited by the submitters: PubMed 16199547; PubMed 22961002; PubMed 25342199; PubMed 26059562.

NM_005340.7(HINT1):c.111+2del

Gene: HINT1 (histidine triad nucleotide binding protein 1; minus strand). Cytogenetic location: 5q23.3.
Variant type: Deletion.
Coding change: c.111+2del on transcript NM_005340.7 (MANE Select); the canonical splice donor site of the intron after coding-DNA position 111, one base deleted (T; older notation c.111+2delT).
Molecular consequence: splice donor variant. On other transcripts: non-coding transcript variant (2).
Genome position (GRCh38, 1-based): chr5:131,165,093, A deleted on the plus strand (T on the coding strand, the reverse complement: HINT1 is on the minus strand). VCF-style (leftmost placement, unchanged base first): chr5-131165092-TA-T. GRCh37 (hg19) VCF-style: chr5-130500785-TA-T.
Identifiers: ClinVar variation 1524005 (VCV001524005.6), dbSNP rs2149654857, ClinGen allele CA2573139033.